The following is an entry in ClinVar:

ClinVar aggregate classification (germline): Uncertain significance (1 of 4 stars; one submission).

Conditions:
Dyskeratosis congenita. Identifiers: Orphanet 1775, MedGen C0265965, MONDO:0015780.

Submission:

Labcorp Genetics (formerly Invitae), Labcorp
Classification: Uncertain significance for Dyskeratosis congenita. Last evaluated: 2017-07-30. Review status: criteria provided, single submitter. Criteria: Invitae Variant Classification Sherloc (09022015). Collection method: clinical testing. Allele origin: germline.
Comment: In summary, the available evidence is currently insufficient to determine the role of this variant in disease. Therefore, it has been classified as a Variant of Uncertain Significance. Algorithms developed to predict the effect of missense changes on protein structure and function do not agree on the potential impact of this missense change (SIFT: "Deleterious"; PolyPhen-2: "Benign"; Align-GVGD: "Class C0"). This variant has not been reported in the literature in individuals with DKC1-related disease. This variant is not present in population databases (ExAC no frequency). This sequence change replaces arginine with proline at codon 449 of the DKC1 protein (p.Arg449Pro). The arginine residue is weakly conserved and there is a moderate physicochemical difference between arginine and proline.

NM_001363.5(DKC1):c.1346G>C (p.Arg449Pro)

Gene: DKC1 (dyskerin pseudouridine synthase 1; plus strand). Cytogenetic location: Xq28.
Variant type: single nucleotide variant.
Coding change: c.1346G>C on transcript NM_001363.5 (MANE Select); coding-DNA position 1346, G replaced by C.
Protein change: p.Arg449Pro; replaces arginine 449 with proline.
Molecular consequence: missense variant. On other transcripts: 3 prime UTR variant (1), non-coding transcript variant (3).
Genome position (GRCh38, 1-based): chrX:154,776,194, G>C. VCF-style: chrX-154776194-G-C. GRCh37 (hg19) VCF-style: chrX-154004469-G-C.
Other names: c.1331G>C, p.Arg444Pro (NM_001142463.3); c.*572G>C (NM_001288747.2); short protein forms R449P, R444P.
Identifiers: ClinVar variation 459581 (VCV000459581.7), dbSNP rs1289430524, ClinGen allele CA414899313.